The following is an entry in ClinVar:

NM_001081.4(CUBN):c.3015T>C (p.Cys1005=)

Gene: CUBN (cubilin; minus strand). Cytogenetic location: 10p13.
Variant type: single nucleotide variant.
Coding change: c.3015T>C on transcript NM_001081.4 (MANE Select); coding-DNA position 3015, T replaced by C.
Protein change: p.Cys1005=; no amino-acid change (cysteine 1005 retained).
Molecular consequence: synonymous variant.
Genome position (GRCh38, 1-based): chr10:17,065,632, A>G on the plus strand (T>C on the coding strand, the complement: CUBN is on the minus strand). VCF-style: chr10-17065632-A-G. GRCh37 (hg19) VCF-style: chr10-17107631-A-G.
Identifiers: ClinVar variation 3034924 (VCV003034924.2), dbSNP rs2491976184, ClinGen allele CA468302748.

ClinVar aggregate classification (germline): Likely benign (0 of 4 stars; one submission).

Conditions:
CUBN-related disorder. Also called: CUBN-related condition.

Submission:

PreventionGenetics, part of Exact Sciences
Classification: Likely benign for CUBN-related condition. Last evaluated: 2024-01-11. Review status: no assertion criteria provided. Collection method: clinical testing. Allele origin: germline.
Comment: This variant is classified as likely benign based on ACMG/AMP sequence variant interpretation guidelines (Richards et al. 2015 PMID: 25741868, with internal and published modifications).